The following is an entry in ClinVar:

NM_001843.4(CNTN1):c.1229-92C>T

Gene: CNTN1 (contactin 1; plus strand). Cytogenetic location: 12q12.
Variant type: single nucleotide variant.
Coding change: c.1229-92C>T on transcript NM_001843.4 (MANE Select); 92 bases into the intron before coding-DNA position 1229, C replaced by T.
Molecular consequence: intron variant.
Genome position (GRCh38, 1-based): chr12:40,939,243, C>T. VCF-style: chr12-40939243-C-T. GRCh37 (hg19) VCF-style: chr12-41333045-C-T.
Other names: c.1229-92C>T (NM_001256063.2, NM_001256064.2); c.1196-92C>T (NM_175038.2).
Identifiers: ClinVar variation 679155 (VCV000679155.2), dbSNP rs35617364, ClinGen allele CA235402857.

ClinVar aggregate classification (germline): Likely benign. Review status: criteria provided, multiple submitters, no conflicts (2 of 4 stars). 2 submissions from 2 submitters: Likely benign (2). Last evaluated 2018-06-19.

Allele frequency attached by ClinVar (database versions not stated): gnomAD 0.03524 and 0.03628; 1000 Genomes Project 0.03634; TOPMed 0.03671; 1000 Genomes Project 30x 0.03701; gnomAD exomes 0.04368.
gnomAD v4.1: 57,376 of 1,339,668 alleles (4.3%); highest among the groups gnomAD compares: Middle Eastern, 9.6%; 1,442 homozygotes.

Submissions (2):

GeneDx
Classification: Likely benign. Last evaluated: 2018-06-19. Review status: criteria provided, single submitter. Criteria: GeneDx Variant Classification (06012015). Collection method: clinical testing. Allele origin: germline. Affected: yes.
Comment: This variant is considered likely benign or benign based on one or more of the following criteria: it is a conservative change, it occurs at a poorly conserved position in the protein, it is predicted to be benign by multiple in silico algorithms, and/or has population frequency not consistent with disease.

Breakthrough Genomics
Classification: Likely benign. Review status: criteria provided, single submitter. Criteria: ACMG Guidelines, 2015. Collection method: not provided. Allele origin: germline. Inheritance: Autosomal recessive inheritance. Affected: yes.